The following is an entry in ClinVar:

NM_003072.5(SMARCA4):c.1529A>G (p.Asn510Ser)

Gene: SMARCA4 (SWI/SNF related BAF chromatin remodeling complex subunit ATPase 4; plus strand). Cytogenetic location: 19p13.2.
Variant type: single nucleotide variant.
Coding change: c.1529A>G on transcript NM_003072.5 (MANE Select); coding-DNA position 1529, A replaced by G.
Protein change: p.Asn510Ser; replaces asparagine 510 with serine.
Molecular consequence: missense variant. On other transcripts: non-coding transcript variant (1).
Genome position (GRCh38, 1-based): chr19:10,994,937, A>G. VCF-style: chr19-10994937-A-G. GRCh37 (hg19) VCF-style: chr19-11105613-A-G.
Other names: c.1529A>G, p.Asn510Ser (NM_001128844.3, NM_001128845.2, NM_001128846.2 and 4 more transcripts); short protein forms N510S.
Identifiers: ClinVar variation 840142 (VCV000840142.12), dbSNP rs2086886078, ClinGen allele CA404062190.

ClinVar aggregate classification (germline): Uncertain significance. Review status: criteria provided, multiple submitters, no conflicts (2 of 4 stars). 2 submissions from 2 submitters: Uncertain significance (2). Last evaluated 2025-06-29.

Conditions:
Hereditary cancer-predisposing syndrome. Also called: Neoplastic Syndromes, Hereditary; Tumor predisposition; Hereditary neoplastic syndrome; Hereditary Cancer Syndrome. Identifiers: Orphanet 140162, MedGen C0027672, MeSH D009386, MONDO:0015356.
Rhabdoid tumor predisposition syndrome 2 (RTPS2). Identifiers: Orphanet 231108, Orphanet 69077, MedGen C2750074, MONDO:0013224, OMIM 613325.

Submissions (2):

Labcorp Genetics (formerly Invitae), Labcorp
Classification: Uncertain significance for Rhabdoid tumor predisposition syndrome 2. Last evaluated: 2025-06-29. Review status: criteria provided, single submitter. Criteria: Invitae Variant Classification Sherloc (09022015). Collection method: clinical testing. Allele origin: germline.
Comment: This sequence change replaces asparagine, which is neutral and polar, with serine, which is neutral and polar, at codon 510 of the SMARCA4 protein (p.Asn510Ser). This variant is not present in population databases (gnomAD no frequency). This variant has not been reported in the literature in individuals affected with SMARCA4-related conditions. ClinVar contains an entry for this variant (Variation ID: 840142). Invitae Evidence Modeling of protein sequence and biophysical properties (such as structural, functional, and spatial information, amino acid conservation, physicochemical variation, residue mobility, and thermodynamic stability) indicates that this missense variant is expected to disrupt SMARCA4 protein function with a positive predictive value of 95%. In summary, the available evidence is currently insufficient to determine the role of this variant in disease. Therefore, it has been classified as a Variant of Uncertain Significance.

Ambry Genetics
Classification: Uncertain significance for Hereditary cancer-predisposing syndrome. Last evaluated: 2023-07-19. Review status: criteria provided, single submitter. Criteria: Ambry Variant Classification Scheme 2023. Collection method: clinical testing. Allele origin: germline.
Comment: The p.N510S variant (also known as c.1529A>G), located in coding exon 8 of the SMARCA4 gene, results from an A to G substitution at nucleotide position 1529. The asparagine at codon 510 is replaced by serine, an amino acid with highly similar properties. This amino acid position is highly conserved in available vertebrate species. In addition, this alteration is predicted to be tolerated by in silico analysis. Missense and in-frame variants in SMARCA4 are known to cause neurodevelopmental disorders; however, such associations with rhabdoid tumor predisposition syndrome including small cell carcinoma of the ovary-hypercalcemic type (SCCOHT) are exceedingly rare (Kosho T et al. Am J Med Genet C Semin Med Genet. 2014 Sep;166C(3):262-75; Jelinic P et al. Nat Genet. 2014 May;46(5):424-6). Based on the supporting evidence, the association of this alteration with Coffin-Siris syndrome is unknown; however, the association of this alteration with rhabdoid tumor predisposition syndrome is unlikely.